The following is an entry in ClinVar:

ClinVar aggregate classification (germline): Uncertain significance (1 of 4 stars; one submission).

Allele frequency attached by ClinVar (database versions not stated): gnomAD exomes below 0.00001.
gnomAD v4.1: 2 of 1,612,156 alleles (0.00012%); highest among the groups gnomAD compares: Non-Finnish European, 0.00017%; no homozygotes.

Submission:

Labcorp Genetics (formerly Invitae), Labcorp
Classification: Uncertain significance. Last evaluated: 2022-03-18. Review status: criteria provided, single submitter. Criteria: Invitae Variant Classification Sherloc (09022015). Collection method: clinical testing. Allele origin: germline.
Comment: In summary, the available evidence is currently insufficient to determine the role of this variant in disease. Therefore, it has been classified as a Variant of Uncertain Significance. Variants that disrupt the consensus splice site are a relatively common cause of aberrant splicing (PMID: 17576681, 9536098). Algorithms developed to predict the effect of sequence changes on RNA splicing suggest that this variant may create or strengthen a splice site. Algorithms developed to predict the effect of missense changes on protein structure and function are either unavailable or do not agree on the potential impact of this missense change (SIFT: "Not Available"; PolyPhen-2: "Probably Damaging"; Align-GVGD: "Not Available"). This variant has not been reported in the literature in individuals affected with MYO18B-related conditions. This variant is present in population databases (no rsID available, gnomAD 0.0009%). This sequence change replaces lysine, which is basic and polar, with asparagine, which is neutral and polar, at codon 792 of the MYO18B protein (p.Lys792Asn). This variant also falls at the last nucleotide of exon 11, which is part of the consensus splice site for this exon.

Literature cited by the submitters: PubMed 17576681; PubMed 9536098.

NM_032608.7(MYO18B):c.2376G>C (p.Lys792Asn)

Gene: MYO18B (myosin XVIIIB; plus strand). Cytogenetic location: 22q12.1.
Variant type: single nucleotide variant.
Coding change: c.2376G>C on transcript NM_032608.7 (MANE Select); coding-DNA position 2376, G replaced by C.
Protein change: p.Lys792Asn; replaces lysine 792 with asparagine.
Molecular consequence: missense variant.
Genome position (GRCh38, 1-based): chr22:25,785,491, G>C. VCF-style: chr22-25785491-G-C. GRCh37 (hg19) VCF-style: chr22-26181458-G-C.
Other names: c.2376G>C, p.Lys792Asn (NM_001318245.2); short protein forms K792N.
Identifiers: ClinVar variation 1506176 (VCV001506176.8), dbSNP rs1342155730, ClinGen allele CA410994718.